The following is an entry in ClinVar:

NM_033380.3(COL4A5):c.2215C>G (p.Pro739Ala)

Gene: COL4A5 (collagen type IV alpha 5 chain; plus strand). Cytogenetic location: Xq22.3.
Variant type: single nucleotide variant.
Coding change: c.2215C>G on transcript NM_033380.3 (MANE Select); coding-DNA position 2215, C replaced by G.
Protein change: p.Pro739Ala; replaces proline 739 with alanine.
Molecular consequence: missense variant.
Genome position (GRCh38, 1-based): chrX:108,603,032, C>G. VCF-style: chrX-108603032-C-G. GRCh37 (hg19) VCF-style: chrX-107846262-C-G.
Other names: p.Pro739Ala; c.2215C>G, p.Pro739Ala (NM_000495.5); short protein forms P739A.
Identifiers: ClinVar variation 587102 (VCV000587102.24), dbSNP rs104886164, ClinGen allele CA10488868.

ClinVar aggregate classification (germline): Conflicting classifications of pathogenicity. Review status: criteria provided, conflicting classifications (1 of 4 stars). 8 submissions from 8 submitters: Uncertain significance (2); Benign (3); Likely benign (1). 2 of the submissions do not count toward it. Last evaluated 2026-02-04.

Conditions:
COL4A5-related disorder. Also called: COL4A5-related condition.
X-linked Alport syndrome (ATS1). Also called: COL4A5-Related Nephropathy; NEPHROPATHY AND DEAFNESS, X-LINKED. Identifiers: Orphanet 63, Orphanet 88917, MedGen C4746986, MONDO:0010520, OMIM 301050.

Allele frequency attached by ClinVar (database versions not stated): gnomAD 0.00034 and 0.00060; TOPMed 0.00058; gnomAD exomes 0.00099 and 0.00116; ExAC 0.00280; 1000 Genomes Project 30x 0.00333; 1000 Genomes Project 0.00344.
gnomAD v4.1: 1,115 of 1,184,160 alleles (0.094%); highest among the groups gnomAD compares: East Asian, 3.2%; 20 homozygotes.

Submissions (8):

Labcorp Genetics (formerly Invitae), Labcorp
Classification: Benign. Last evaluated: 2026-02-04. Review status: criteria provided, single submitter. Criteria: Invitae Variant Classification Sherloc (09022015). Collection method: clinical testing. Allele origin: germline.

Mayo Clinic Laboratories, Mayo Clinic
Classification: Uncertain significance. Last evaluated: 2025-04-02. Review status: criteria provided, single submitter. Criteria: ACMG Guidelines, 2015. Collection method: clinical testing. Allele origin: germline. Observed: 1 variant allele.
Comment: BA1, PP1_moderate

Blueprint Genetics
Classification: Benign. Last evaluated: 2024-06-13. Review status: criteria provided, single submitter. Criteria: ACMG Guidelines, 2015. Collection method: clinical testing. Allele origin: germline.

Mendelics
Classification: Benign for X-linked Alport syndrome. Last evaluated: 2019-05-28. Review status: criteria provided, single submitter. Criteria: Mendelics Assertion Criteria 2017. Collection method: clinical testing. Allele origin: unknown.

Institute of Human Genetics, University of Leipzig Medical Center
Classification: Uncertain significance for X-linked Alport syndrome. Last evaluated: 2019-01-01. Review status: criteria provided, single submitter. Criteria: ACMG Guidelines, 2015. Collection method: clinical testing. Allele origin: unknown. Affected: yes.

Eurofins Ntd Llc (ga)
Classification: Likely benign. Last evaluated: 2018-06-28. Review status: criteria provided, single submitter. Criteria: EGL ClinVar v180209 classification definitions. Collection method: clinical testing. Allele origin: germline. Observed: 1 variant allele, 1 hemizygote.

Natera, Inc.
Classification: Benign for X-linked Alport syndrome. Last evaluated: 2020-09-16. Review status: no assertion criteria provided. Collection method: clinical testing. Allele origin: germline. Not counted in ClinVar's aggregate classification.

PreventionGenetics, part of Exact Sciences
Classification: Likely benign for COL4A5-related condition. Last evaluated: 2019-08-09. Review status: no assertion criteria provided. Collection method: clinical testing. Allele origin: germline. Not counted in ClinVar's aggregate classification.
Comment: This variant is classified as likely benign based on ACMG/AMP sequence variant interpretation guidelines (Richards et al. 2015 PMID: 25741868, with internal and published modifications).

Literature cited by the submitters: PubMed 10561141 (cited by Mayo Clinic Laboratories, Mayo Clinic); PubMed 22921432 (cited by Mayo Clinic Laboratories, Mayo Clinic); PubMed 25788563 (cited by Mayo Clinic Laboratories, Mayo Clinic); PubMed 28604958 (cited by Mayo Clinic Laboratories, Mayo Clinic); PubMed 28976722 (cited by Mayo Clinic Laboratories, Mayo Clinic); PubMed 30245029 (cited by Mayo Clinic Laboratories, Mayo Clinic); PubMed 30476936 (cited by Mayo Clinic Laboratories, Mayo Clinic); PubMed 30968591 (cited by Mayo Clinic Laboratories, Mayo Clinic); PubMed 31328266 (cited by Mayo Clinic Laboratories, Mayo Clinic); PubMed 33077954 (cited by Mayo Clinic Laboratories, Mayo Clinic); PubMed 35114279 (cited by Mayo Clinic Laboratories, Mayo Clinic); PubMed 38249544 (cited by Mayo Clinic Laboratories, Mayo Clinic).